The following is an entry in ClinVar:

NM_001130438.3(SPTAN1):c.6707+139G>A

Gene: SPTAN1 (spectrin alpha, non-erythrocytic 1; plus strand). Cytogenetic location: 9q34.11.
Variant type: single nucleotide variant.
Coding change: c.6707+139G>A on transcript NM_001130438.3 (MANE Select); 139 bases into the intron after coding-DNA position 6707, G replaced by A.
Molecular consequence: intron variant.
Genome position (GRCh38, 1-based): chr9:128,628,081, G>A. VCF-style: chr9-128628081-G-A. GRCh37 (hg19) VCF-style: chr9-131390360-G-A.
Other names: c.6707+139G>A (NM_001363759.2); c.6692+139G>A (NM_003127.4); c.6647+139G>A (NM_001363765.2); c.6632+139G>A (NM_001195532.2).
Identifiers: ClinVar variation 677453 (VCV000677453.1), dbSNP rs77733303, ClinGen allele CA5265818.
Genomic context (GRCh38, chr9:128,628,081, plus strand): 5'-AGGATCCCGGGATGGGCCTTCCTGCCCAGGGCGGGCTGCACTTCCCCTCCCACCCTTCTC[G>A]TCACCTGATGAGGAGTGTGTGCCTTGCCCCATAGCCCATGGTCCCTGGTCCCCGATAGAG-3'

ClinVar aggregate classification (germline): Benign (1 of 4 stars; one submission).

Allele frequency attached by ClinVar (database versions not stated): gnomAD exomes 0.00216 and 0.00493; ExAC 0.00633; 1000 Genomes Project 0.01717; 1000 Genomes Project 30x 0.01780; gnomAD 0.01835 and 0.01984; TOPMed 0.02083.
gnomAD v4.1: 4,744 of 1,035,276 alleles (0.46%); highest among the groups gnomAD compares: African/African-American, 6.4%; 139 homozygotes.

Submission:

GeneDx
Classification: Benign. Last evaluated: 2018-06-14. Review status: criteria provided, single submitter. Criteria: GeneDx Variant Classification (06012015). Collection method: clinical testing. Allele origin: germline. Affected: yes.
Comment: This variant is considered likely benign or benign based on one or more of the following criteria: it is a conservative change, it occurs at a poorly conserved position in the protein, it is predicted to be benign by multiple in silico algorithms, and/or has population frequency not consistent with disease.